The following is an entry in ClinVar:

NM_001042424.3(NSD2):c.2345T>C (p.Met782Thr)

Gene: NSD2 (nuclear receptor binding SET domain protein 2; plus strand). Cytogenetic location: 4p16.3.
Variant type: single nucleotide variant.
Coding change: c.2345T>C on transcript NM_001042424.3 (MANE Select); coding-DNA position 2345, T replaced by C.
Protein change: p.Met782Thr; replaces methionine 782 with threonine.
Molecular consequence: missense variant.
Genome position (GRCh38, 1-based): chr4:1,955,167, T>C. VCF-style: chr4-1955167-T-C. GRCh37 (hg19) VCF-style: chr4-1956894-T-C.
Other names: c.2345T>C, p.Met782Thr (NM_133330.3, NM_133331.3, NM_133335.4); short protein forms M782T.
Identifiers: ClinVar variation 2430672 (VCV002430672.1), dbSNP rs2474631810, ClinGen allele CA355988150.

ClinVar aggregate classification (germline): Uncertain significance (1 of 4 stars; one submission).

Submission:

GeneDx
Classification: Uncertain significance. Last evaluated: 2022-08-22. Review status: criteria provided, single submitter. Criteria: GeneDx Variant Classification Process June 2021. Collection method: clinical testing. Allele origin: germline. Affected: yes.
Comment: Not observed at significant frequency in large population cohorts (gnomAD); In silico analysis supports that this missense variant has a deleterious effect on protein structure/function; Has not been previously published as pathogenic or benign to our knowledge